The following is an entry in ClinVar:

ClinVar aggregate classification (germline): Likely benign. Review status: criteria provided, multiple submitters, no conflicts (2 of 4 stars). 4 submissions from 4 submitters: Likely benign (3). 1 of the submissions does not count toward it. Last evaluated 2025-10-22.

Conditions:
ARMC9-related disorder. Also called: ARMC9-related condition.
Inborn genetic diseases. Identifiers: MedGen C0950123, MeSH D030342.

Allele frequency attached by ClinVar (database versions not stated): gnomAD exomes 0.00053; ExAC 0.00066; ESP Exome Variant Server 0.00161; gnomAD 0.00220 and 0.00237; TOPMed 0.00254; 1000 Genomes Project 0.00359; 1000 Genomes Project 30x 0.00422.
gnomAD v4.1: 687 of 1,614,140 alleles (0.043%); highest among the groups gnomAD compares: African/African-American, 0.82%; 6 homozygotes.

Submissions (4):

Labcorp Genetics (formerly Invitae), Labcorp
Classification: Likely benign. Last evaluated: 2025-10-22. Review status: criteria provided, single submitter. Criteria: Invitae Variant Classification Sherloc (09022015). Collection method: clinical testing. Allele origin: germline.

Ambry Genetics
Classification: Likely benign for Inborn genetic diseases. Last evaluated: 2025-03-19. Review status: criteria provided, single submitter. Criteria: Ambry Variant Classification Scheme 2023. Collection method: clinical testing. Allele origin: germline.

Blueprint Genetics
Classification: Likely benign. Last evaluated: 2024-11-26. Review status: criteria provided, single submitter. Criteria: ACMG Guidelines, 2015. Collection method: clinical testing. Allele origin: germline.

PreventionGenetics, part of Exact Sciences
Classification: Benign for ARMC9-related condition. Last evaluated: 2019-03-15. Review status: no assertion criteria provided. Collection method: clinical testing. Allele origin: germline. Not counted in ClinVar's aggregate classification.
Comment: This variant is classified as benign based on ACMG/AMP sequence variant interpretation guidelines (Richards et al. 2015 PMID: 25741868, with internal and published modifications).

NM_001352754.2(ARMC9):c.1424C>T (p.Thr475Met)

Gene: ARMC9 (armadillo repeat containing 9; plus strand). Cytogenetic location: 2q37.1.
Variant type: single nucleotide variant.
Coding change: c.1424C>T on transcript NM_001352754.2 (MANE Select); coding-DNA position 1424, C replaced by T.
Protein change: p.Thr475Met; replaces threonine 475 with methionine.
Molecular consequence: missense variant. On other transcripts: non-coding transcript variant (1).
Genome position (GRCh38, 1-based): chr2:231,276,725, C>T. VCF-style: chr2-231276725-C-T. GRCh37 (hg19) VCF-style: chr2-232141438-C-T.
Other names: c.1424C>T (NM_025139.5, NM_025139.3); c.1424C>T, p.Thr475Met (NM_001271466.4, NM_001291656.2, NM_001352755.2 and 3 more transcripts); c.1325C>T, p.Thr442Met (NM_001352757.2, NM_001352758.2); short protein forms T442M, T475M.
Identifiers: ClinVar variation 780366 (VCV000780366.13), dbSNP rs116712981, ClinGen allele CA2160319.